The following is an entry in ClinVar:

ClinVar aggregate classification (germline): Uncertain significance (1 of 4 stars; one submission).

Conditions:
Bardet-Biedl syndrome (BBS). Identifiers: Orphanet 110, MedGen C0752166, MONDO:0015229.

Submission:

Labcorp Genetics (formerly Invitae), Labcorp
Classification: Uncertain significance for Bardet-Biedl syndrome. Last evaluated: 2022-06-11. Review status: criteria provided, single submitter. Criteria: Invitae Variant Classification Sherloc (09022015). Collection method: clinical testing. Allele origin: germline.
Comment: In summary, the available evidence is currently insufficient to determine the role of this variant in disease. Therefore, it has been classified as a Variant of Uncertain Significance. Algorithms developed to predict the effect of sequence changes on RNA splicing suggest that this variant may create or strengthen a splice site. Algorithms developed to predict the effect of missense changes on protein structure and function output the following: SIFT: "Tolerated"; PolyPhen-2: "Benign"; Align-GVGD: "Class C0". The valine amino acid residue is found in multiple mammalian species, which suggests that this missense change does not adversely affect protein function. This variant has not been reported in the literature in individuals affected with WDPCP-related conditions. This variant is not present in population databases (gnomAD no frequency). This sequence change replaces leucine, which is neutral and non-polar, with valine, which is neutral and non-polar, at codon 361 of the WDPCP protein (p.Leu361Val).

NM_015910.7(WDPCP):c.1081C>G (p.Leu361Val)

Gene: WDPCP (WD repeat containing planar cell polarity effector; minus strand). Cytogenetic location: 2p15.
Variant type: single nucleotide variant.
Coding change: c.1081C>G on transcript NM_015910.7 (MANE Select); coding-DNA position 1081, C replaced by G.
Protein change: p.Leu361Val; replaces leucine 361 with valine.
Molecular consequence: missense variant. On other transcripts: non-coding transcript variant (3).
Genome position (GRCh38, 1-based): chr2:63,404,402, G>C on the plus strand (C>G on the coding strand, the complement: WDPCP is on the minus strand). VCF-style: chr2-63404402-G-C. GRCh37 (hg19) VCF-style: chr2-63631537-G-C.
Other names: c.604C>G, p.Leu202Val (NM_001042692.3); c.1009C>G, p.Leu337Val (NM_001354044.2); c.1081C>G, p.Leu361Val (NM_001354045.2); short protein forms L337V, L202V, L361V.
Identifiers: ClinVar variation 2004820 (VCV002004820.4), dbSNP rs2466516383, ClinGen allele CA347065179.
Genomic context (GRCh38, chr2:63,404,402, plus strand): 5'-AAGGCAAAAGTTCAGTCTGTGCTAAGAGAGTCACTCTACGGTGAGTTTCATAAAGAATTA[G>C]CGAAGAATCTTCACAGCCCAGAATCAGTTTGTCTTCAGTAACATTCCTGCAGCAGCTGAT-3'
Protein context (NP_056994.3, residues 351-371): KLILGCEDSS[Leu361Val]ILYETHRRVT